The following is an entry in ClinVar:

NC_000002.12:g.121530988T>G

Genes: CLASP1 (cytoplasmic linker associated protein 1; minus strand), CLASP1-AS1 (CLASP1 antisense RNA 1; plus strand), RNU4ATAC (RNA, U4atac small nuclear; plus strand). Cytogenetic location: 2q14.2.
Variant type: single nucleotide variant.
Molecular consequence: intron variant (on NM_001395891.1).
Genome position: GRCh38 VCF-style: chr2-121530988-T-G. GRCh37 (hg19) VCF-style: chr2-122288564-T-G.
Other names: c.196-663A>C (NM_001142274.2, NM_015282.3, NM_001378003.1 and 5 more transcripts).
Identifiers: ClinVar variation 1519630 (VCV001519630.3), dbSNP rs544511887, ClinGen allele CA54811008.

ClinVar aggregate classification (germline): Uncertain significance (1 of 4 stars; one submission).

gnomAD v4.1: 18 of 700,244 alleles (0.0026%); highest among the groups gnomAD compares: Admixed American, 0.02%; no homozygotes.

Submission:

Labcorp Genetics (formerly Invitae), Labcorp
Classification: Uncertain significance. Last evaluated: 2022-05-31. Review status: criteria provided, single submitter. Criteria: Invitae Variant Classification Sherloc (09022015). Collection method: clinical testing. Allele origin: germline.
Comment: This variant occurs in the RNU4ATAC gene, which encodes an RNA molecule that does not result in a protein product. This variant is present in population databases (no rsID available, gnomAD 0.03%). This variant has not been reported in the literature in individuals affected with RNU4ATAC-related conditions. ClinVar contains an entry for this variant (Variation ID: 1519630). Experimental studies and prediction algorithms are not available or were not evaluated, and the functional significance of this variant is currently unknown. In summary, the available evidence is currently insufficient to determine the role of this variant in disease. Therefore, it has been classified as a Variant of Uncertain Significance.